The following is an entry in ClinVar:

ClinVar aggregate classification (germline): Uncertain significance. Review status: criteria provided, multiple submitters, no conflicts (2 of 4 stars). 3 submissions from 3 submitters: Uncertain significance (3). Last evaluated 2025-02-26.

Conditions:
Van Maldergem syndrome 2 (VMLDS2). Identifiers: Orphanet 314679, MedGen C3809875, MONDO:0014242, OMIM 615546.
Hennekam lymphangiectasia-lymphedema syndrome 2 (HKLLS2). Identifiers: Orphanet 2136, MedGen C4014939, MONDO:0014454, OMIM 616006.

Allele frequency attached by ClinVar (database versions not stated): gnomAD exomes 0.00003 and 0.00001; gnomAD 0.00021; 1000 Genomes Project 30x 0.00016; 1000 Genomes Project 0.00020; TOPMed 0.00022; ESP Exome Variant Server 0.00015; ExAC 0.00002.
gnomAD v4.1: 42 of 1,613,962 alleles (0.0026%); highest among the groups gnomAD compares: African/African-American, 0.037%; no homozygotes.

Submissions (3):

Clinical Genomics Laboratory, Washington University in St. Louis
Classification: Uncertain significance for Hennekam lymphangiectasia-lymphedema syndrome 2; Van Maldergem syndrome 2. Last evaluated: 2025-02-26. Review status: criteria provided, single submitter. Criteria: ACMG Guidelines, 2015. Collection method: clinical testing. Allele origin: germline.
Comment: A FAT4 c.6640G>A (p.Ala2214Thr) variant was identified at a near heterozygous allelic fraction of 48.5%, a frequency which may be consistent with germline origin. This variant has been reported in a single case of colorectal cancer (Househam J et al., PMID: 36289336). It has been reported in the ClinVar database as a germline variant of uncertain significance by two submitters (ClinVar variation ID: 1421972). Computational predictors suggest that the variant does not impact FAT4 function. Due to limited information, and based on ACMG/AMP guidelines for variant interpretation (Richards S et al., PMID: 25741868), the clinical significance of this variant is uncertain at this time.

Fulgent Genetics
Classification: Uncertain significance for Van Maldergem syndrome 2; Hennekam lymphangiectasia-lymphedema syndrome 2. Last evaluated: 2024-03-21. Review status: criteria provided, single submitter. Criteria: ACMG Guidelines, 2015. Collection method: clinical testing. Allele origin: germline.

Labcorp Genetics (formerly Invitae), Labcorp
Classification: Uncertain significance. Last evaluated: 2024-01-20. Review status: criteria provided, single submitter. Criteria: Invitae Variant Classification Sherloc (09022015). Collection method: clinical testing. Allele origin: germline.
Comment: This sequence change replaces alanine, which is neutral and non-polar, with threonine, which is neutral and polar, at codon 2214 of the FAT4 protein (p.Ala2214Thr). This variant is present in population databases (rs149686118, gnomAD 0.02%). This variant has not been reported in the literature in individuals affected with FAT4-related conditions. ClinVar contains an entry for this variant (Variation ID: 1421972). Advanced modeling of protein sequence and biophysical properties (such as structural, functional, and spatial information, amino acid conservation, physicochemical variation, residue mobility, and thermodynamic stability) performed at Invitae indicates that this missense variant is expected to disrupt FAT4 protein function with a positive predictive value of 80%. In summary, the available evidence is currently insufficient to determine the role of this variant in disease. Therefore, it has been classified as a Variant of Uncertain Significance.

NM_001291303.3(FAT4):c.6640G>A (p.Ala2214Thr)

Gene: FAT4 (FAT atypical cadherin 4; plus strand). Cytogenetic location: 4q28.1.
Variant type: single nucleotide variant.
Coding change: c.6640G>A on transcript NM_001291303.3 (MANE Select); coding-DNA position 6640, G replaced by A.
Protein change: p.Ala2214Thr; replaces alanine 2214 with threonine.
Molecular consequence: missense variant.
Genome position (GRCh38, 1-based): chr4:125,415,603, G>A. VCF-style: chr4-125415603-G-A. GRCh37 (hg19) VCF-style: chr4-126336758-G-A.
Other names: c.6640G>A, p.Ala2214Thr (NM_001291285.3, NM_024582.6); c.6640G>A (NM_024582.5); short protein forms A2214T.
Identifiers: ClinVar variation 1421972 (VCV001421972.6), dbSNP rs149686118, ClinGen allele CA3072955.